The following is an entry in ClinVar:

ClinVar aggregate classification (germline): Likely benign. Review status: criteria provided, multiple submitters, no conflicts (2 of 4 stars). 3 submissions from 3 submitters: Likely benign (2). 1 of the submissions does not count toward it. Last evaluated 2026-01-09.

Conditions:
LRP5-related disorder. Also called: LRP5-related condition.

Allele frequency attached by ClinVar (database versions not stated): gnomAD 0.00001; gnomAD exomes 0.00003 and 0.00006; TOPMed 0.00004; ExAC 0.00005; ESP Exome Variant Server 0.00008; 1000 Genomes Project 30x 0.00016; 1000 Genomes Project 0.00020.
gnomAD v4.1: 43 of 1,613,300 alleles (0.0027%); highest among the groups gnomAD compares: Middle Eastern, 0.033%; no homozygotes.

Submissions (3):

Labcorp Genetics (formerly Invitae), Labcorp
Classification: Likely benign. Last evaluated: 2026-01-09. Review status: criteria provided, single submitter. Criteria: Invitae Variant Classification Sherloc (09022015). Collection method: clinical testing. Allele origin: germline.

Blueprint Genetics
Classification: Likely benign. Last evaluated: 2021-02-02. Review status: criteria provided, single submitter. Criteria: ACMG Guidelines, 2015. Collection method: clinical testing. Allele origin: germline.

PreventionGenetics, part of Exact Sciences
Classification: Likely benign for LRP5-related condition. Last evaluated: 2019-02-28. Review status: no assertion criteria provided. Collection method: clinical testing. Allele origin: germline. Not counted in ClinVar's aggregate classification.
Comment: This variant is classified as likely benign based on ACMG/AMP sequence variant interpretation guidelines (Richards et al. 2015 PMID: 25741868, with internal and published modifications).

NM_002335.4(LRP5):c.1377C>T (p.Asp459=)

Gene: LRP5 (LDL receptor related protein 5; plus strand). Cytogenetic location: 11q13.2.
Variant type: single nucleotide variant.
Coding change: c.1377C>T on transcript NM_002335.4 (MANE Select); coding-DNA position 1377, C replaced by T.
Protein change: p.Asp459=; no amino-acid change (aspartic acid 459 retained).
Molecular consequence: synonymous variant. On other transcripts: 5 prime UTR variant (1).
Genome position (GRCh38, 1-based): chr11:68,386,677, C>T. VCF-style: chr11-68386677-C-T. GRCh37 (hg19) VCF-style: chr11-68154145-C-T.
Other names: c.-389C>T (NM_001291902.2).
Identifiers: ClinVar variation 713416 (VCV000713416.14), dbSNP rs367873767, ClinGen allele CA6149313.